The following is an entry in ClinVar:

NM_001447.3(FAT2):c.3076A>G (p.Asn1026Asp)

Gene: FAT2 (FAT atypical cadherin 2; minus strand). Cytogenetic location: 5q33.1.
Variant type: single nucleotide variant.
Coding change: c.3076A>G on transcript NM_001447.3 (MANE Select); coding-DNA position 3076, A replaced by G.
Protein change: p.Asn1026Asp; replaces asparagine 1026 with aspartic acid.
Molecular consequence: missense variant.
Genome position (GRCh38, 1-based): chr5:151,565,856, T>C on the plus strand (A>G on the coding strand, the complement: FAT2 is on the minus strand). VCF-style: chr5-151565856-T-C. GRCh37 (hg19) VCF-style: chr5-150945417-T-C.
Other names: short protein forms N1026D.
Identifiers: ClinVar variation 4742700 (VCV004742700.1).

ClinVar aggregate classification (germline): Uncertain significance (1 of 4 stars; one submission).

gnomAD v4.1: 1 of 1,613,866 alleles (0.000062%); highest among the groups gnomAD compares: Non-Finnish European, 0.000085%; no homozygotes.

Submission:

Labcorp Genetics (formerly Invitae), Labcorp
Classification: Uncertain significance. Last evaluated: 2025-04-08. Review status: criteria provided, single submitter. Criteria: Invitae Variant Classification Sherloc (09022015). Collection method: clinical testing. Allele origin: germline.
Comment: This sequence change replaces asparagine, which is neutral and polar, with aspartic acid, which is acidic and polar, at codon 1026 of the FAT2 protein (p.Asn1026Asp). This variant is not present in population databases (gnomAD no frequency). This variant has not been reported in the literature in individuals affected with FAT2-related conditions. Invitae Evidence Modeling of protein sequence and biophysical properties (such as structural, functional, and spatial information, amino acid conservation, physicochemical variation, residue mobility, and thermodynamic stability) has been performed for this missense variant. However, the output from this modeling did not meet the statistical confidence thresholds required to predict the impact of this variant on FAT2 protein function. In summary, the available evidence is currently insufficient to determine the role of this variant in disease. Therefore, it has been classified as a Variant of Uncertain Significance.